The following is an entry in ClinVar:

NM_025219.3(DNAJC5):c.161C>T (p.Ala54Val)

Gene: DNAJC5 (DnaJ heat shock protein family (Hsp40) member C5; plus strand). Cytogenetic location: 20q13.33.
Variant type: single nucleotide variant.
Coding change: c.161C>T on transcript NM_025219.3 (MANE Select); coding-DNA position 161, C replaced by T.
Protein change: p.Ala54Val; replaces alanine 54 with valine.
Molecular consequence: missense variant.
Genome position (GRCh38, 1-based): chr20:63,929,365, C>T. VCF-style: chr20-63929365-C-T. GRCh37 (hg19) VCF-style: chr20-62560718-C-T.
Other names: short protein forms A54V.
Identifiers: ClinVar variation 575049 (VCV000575049.10), dbSNP rs754887788, ClinGen allele CA9969661.

ClinVar aggregate classification (germline): Uncertain significance. Review status: criteria provided, multiple submitters, no conflicts (2 of 4 stars). 3 submissions from 3 submitters: Uncertain significance (3). Last evaluated 2025-10-26.

Conditions:
Neuronal ceroid lipofuscinosis. Also called: Neuronal Ceroid Lipofuscinoses. Identifiers: Orphanet 216, Orphanet 79263, MedGen C0027877, MONDO:0016295. Disease mechanism: loss of function.
Inborn genetic diseases. Identifiers: MedGen C0950123, MeSH D030342.

Allele frequency attached by ClinVar (database versions not stated): gnomAD 0.00001; gnomAD exomes 0.00001; ExAC 0.00002; TOPMed 0.00003.
gnomAD v4.1: 14 of 1,614,022 alleles (0.00087%); highest among the groups gnomAD compares: African/African-American, 0.0067%; no homozygotes.

Submissions (3):

Labcorp Genetics (formerly Invitae), Labcorp
Classification: Uncertain significance for Neuronal ceroid lipofuscinosis. Last evaluated: 2025-10-26. Review status: criteria provided, single submitter. Criteria: Invitae Variant Classification Sherloc (09022015). Collection method: clinical testing. Allele origin: germline.
Comment: This sequence change replaces alanine, which is neutral and non-polar, with valine, which is neutral and non-polar, at codon 54 of the DNAJC5 protein (p.Ala54Val). This variant is present in population databases (rs754887788, gnomAD 0.007%). This missense change has been observed in individual(s) with clinical features of DNAJC5-related conditions (PMID: 38465286). ClinVar contains an entry for this variant (Variation ID: 575049). An algorithm developed to predict the effect of missense changes on protein structure and function (PolyPhen-2) suggests that this variant is likely to be tolerated. In summary, the available evidence is currently insufficient to determine the role of this variant in disease. Therefore, it has been classified as a Variant of Uncertain Significance.

GeneDx
Classification: Uncertain significance. Last evaluated: 2024-07-10. Review status: criteria provided, single submitter. Criteria: GeneDx Variant Classification Process June 2021. Collection method: clinical testing. Allele origin: germline. Affected: yes.
Comment: In silico analysis supports that this missense variant has a deleterious effect on protein structure/function; Has not been previously published as pathogenic or benign to our knowledge

Ambry Genetics
Classification: Uncertain significance for Inborn genetic diseases. Last evaluated: 2023-05-23. Review status: criteria provided, single submitter. Criteria: Ambry Variant Classification Scheme 2023. Collection method: clinical testing. Allele origin: germline.

Literature cited by the submitters: PubMed 38465286 (cited by Labcorp Genetics (formerly Invitae), Labcorp).